The following is an entry in ClinVar:

NM_001163809.2(WDR81):c.3585C>T (p.Ala1195=)

Gene: WDR81 (WD repeat domain 81; plus strand). Cytogenetic location: 17p13.3.
Variant type: single nucleotide variant.
Coding change: c.3585C>T on transcript NM_001163809.2 (MANE Select); coding-DNA position 3585, C replaced by T.
Protein change: p.Ala1195=; no amino-acid change (alanine 1195 retained).
Molecular consequence: synonymous variant. On other transcripts: intron variant (2).
Genome position (GRCh38, 1-based): chr17:1,728,544, C>T. VCF-style: chr17-1728544-C-T. GRCh37 (hg19) VCF-style: chr17-1631838-C-T.
Other names: c.432C>T, p.Ala144= (NM_152348.4); c.59-1836C>T (NM_001163673.2); c.-14-1836C>T (NM_001163811.2).
Identifiers: ClinVar variation 2647196 (VCV002647196.24), dbSNP rs770933695, ClinGen allele CA8273286.
Genomic context (GRCh38, chr17:1,728,544, plus strand): 5'-CACCGGGGCATCTGAGCTCACTCTGTCTGACACGGTGCTGTCCATGGAGACGGTTGTGGC[C>T]GGCGGCAGTGGGGGAGATGGAGAAGAAGAGGAGGAGGCACTGCCTGAGCAGTCAGAAGGC-3'
Protein context (NP_001157281.1, residues 1185-1205): DTVLSMETVV[Ala1195=]GGSGGDGEEE

ClinVar aggregate classification (germline): Likely benign (1 of 4 stars; one submission).

Allele frequency attached by ClinVar (database versions not stated): gnomAD 0.00003; TOPMed 0.00003; ExAC 0.00004; gnomAD exomes 0.00005.

Submission:

CeGaT Center for Human Genetics Tuebingen
Classification: Likely benign. Last evaluated: 2024-02-01. Review status: criteria provided, single submitter. Criteria: CeGaT Center For Human Genetics Tuebingen Variant Classification Criteria Version 2. Collection method: clinical testing. Allele origin: germline. Affected: yes. Observed: 2 variant alleles.
Comment: WDR81: BP4, BP7